The following is an entry in ClinVar:

ClinVar aggregate classification (germline): Likely pathogenic (1 of 4 stars; one submission).

Submission:

Labcorp Genetics (formerly Invitae), Labcorp
Classification: Likely pathogenic. Last evaluated: 2023-05-22. Review status: criteria provided, single submitter. Criteria: Invitae Variant Classification Sherloc (09022015). Collection method: clinical testing. Allele origin: unknown.
Comment: In summary, the currently available evidence indicates that the variant is pathogenic, but additional data are needed to prove that conclusively. Therefore, this variant has been classified as Likely Pathogenic. This variant has not been reported in the literature in individuals affected with TMPRSS15-related conditions. This variant results in a copy number gain of the genomic region encompassing exon(s) 20-22 of the TMPRSS15 gene. While the exact position of this variant cannot be determined from the data, sub-genic copy number gains are generally in tandem (PMID: 25640679). This variant is predicted to be out-of-frame, and may result in an absent or disrupted protein product. Loss-of-function variants in TMPRSS15 are known to be pathogenic (PMID: 11719902).

Literature cited by the submitters: PubMed 25640679; PubMed 11719902.

NC_000021.8:g.(?_19653337)_(19666989_?)dup

Gene: TMPRSS15 (transmembrane serine protease 15; minus strand). Cytogenetic location: 21q21.1.
Variant type: Duplication.
Identifiers: ClinVar variation 3248179 (VCV003248179.1).